The following is an entry in ClinVar:

NM_000038.6(APC):c.2941C>A (p.Pro981Thr)

Gene: APC (APC regulator of Wnt signaling pathway; plus strand). Cytogenetic location: 5q22.2.
Variant type: single nucleotide variant.
Coding change: c.2941C>A on transcript NM_000038.6 (MANE Select); coding-DNA position 2941, C replaced by A.
Protein change: p.Pro981Thr; replaces proline 981 with threonine.
Molecular consequence: missense variant. On other transcripts: non-coding transcript variant (2).
Genome position (GRCh38, 1-based): chr5:112,838,535, C>A. VCF-style: chr5-112838535-C-A. GRCh37 (hg19) VCF-style: chr5-112174232-C-A.
Other names: c.2668C>A, p.Pro890Thr (NM_001354902.2); c.2638C>A, p.Pro880Thr (NM_001354903.2, NM_001407458.1, NM_001407459.1 and 1 more transcripts); c.2563C>A, p.Pro855Thr (NM_001354904.2); c.2461C>A, p.Pro821Thr (NM_001354905.2); c.2092C>A, p.Pro698Thr (NM_001354906.2, NM_001407470.1); c.3025C>A, p.Pro1009Thr (NM_001407446.1); c.2995C>A, p.Pro999Thr (NM_001407447.1, NM_001407448.1, NM_001407449.1 and 1 more transcripts); c.2941C>A, p.Pro981Thr (NM_001407450.1, NM_001127510.3, NM_001354895.2); and 11 more; short protein forms P1009T, P597T, P698T, P890T, P922T, P963T, P971T, P940T.
Identifiers: ClinVar variation 5025803 (VCV005025803.1).
Genomic context (GRCh38, chr5:112,838,535, plus strand): 5'-AATGATAGTTTAAATAGTGTCAGTAGTAGTGATGGTTATGGTAAAAGAGGTCAAATGAAA[C>A]CCTCGATTGAATCCTATTCTGAAGATGATGAAAGTAAGTTTTGCAGTTATGGTCAATACC-3'
Protein context (NP_000029.2, residues 971-991): DGYGKRGQMK[Pro981Thr]SIESYSEDDE

ClinVar aggregate classification (germline): Uncertain significance (1 of 4 stars; one submission).

Conditions:
Hereditary cancer-predisposing syndrome. Also called: Neoplastic Syndromes, Hereditary; Tumor predisposition; Hereditary neoplastic syndrome; Hereditary Cancer Syndrome. Identifiers: Orphanet 140162, MedGen C0027672, MeSH D009386, MONDO:0015356.

Submission:

Ambry Genetics
Classification: Uncertain significance for Hereditary cancer-predisposing syndrome. Last evaluated: 2026-08-15. Review status: criteria provided, single submitter. Criteria: Ambry Variant Classification Scheme 2023. Collection method: clinical testing. Allele origin: germline.
Comment: The p.P981T variant (also known as c.2941C>A), located in coding exon 15 of the APC gene, results from a C to A substitution at nucleotide position 2941. The proline at codon 981 is replaced by threonine, an amino acid with highly similar properties. This amino acid position is conserved. In addition, in silico predictors for this gene do not accurately predict pathogenicity. Based on the available evidence, the clinical significance of this variant remains unclear.